The following is an entry in ClinVar:

ClinVar aggregate classification (germline): Uncertain significance. Review status: criteria provided, multiple submitters, no conflicts (2 of 4 stars). 2 submissions from 2 submitters: Uncertain significance (2). Last evaluated 2025-11-24.

Conditions:
Spermatogenic failure 18. Identifiers: MedGen C4539783, MONDO:0054615, OMIM 617576.
Ciliary dyskinesia, primary, 37 (CILD37). Also called: CILIARY DYSKINESIA, PRIMARY, 37, WITH OR WITHOUT SITUS INVERSUS. Identifiers: MedGen C4539798, MONDO:0033204, OMIM 617577.

Allele frequency attached by ClinVar (database versions not stated): TOPMed 0.00003; gnomAD exomes 0.00006; gnomAD 0.00007; ESP Exome Variant Server 0.00024; ExAC 0.00008.

Submissions (2):

Labcorp Genetics (formerly Invitae), Labcorp
Classification: Uncertain significance for Ciliary dyskinesia, primary, 37; Spermatogenic failure 18. Last evaluated: 2025-11-24. Review status: criteria provided, single submitter. Criteria: Invitae Variant Classification Sherloc (09022015). Collection method: clinical testing. Allele origin: germline.
Comment: This sequence change replaces glycine, which is neutral and non-polar, with alanine, which is neutral and non-polar, at codon 2162 of the DNAH1 protein (p.Gly2162Ala). This variant is present in population databases (rs201627468, gnomAD 0.01%). This variant has not been reported in the literature in individuals affected with DNAH1-related conditions. ClinVar contains an entry for this variant (Variation ID: 2197165). An algorithm developed to predict the effect of missense changes on protein structure and function (PolyPhen-2) suggests that this variant is likely to be tolerated. In summary, the available evidence is currently insufficient to determine the role of this variant in disease. Therefore, it has been classified as a Variant of Uncertain Significance.

Ambry Genetics
Classification: Uncertain significance. Last evaluated: 2024-03-28. Review status: criteria provided, single submitter. Criteria: Ambry Variant Classification Scheme 2023. Collection method: clinical testing. Allele origin: germline.

NM_015512.5(DNAH1):c.6485G>C (p.Gly2162Ala)

Gene: DNAH1 (dynein axonemal heavy chain 1; plus strand). Cytogenetic location: 3p21.1.
Variant type: single nucleotide variant.
Coding change: c.6485G>C on transcript NM_015512.5 (MANE Select); coding-DNA position 6485, G replaced by C.
Protein change: p.Gly2162Ala; replaces glycine 2162 with alanine.
Molecular consequence: missense variant.
Genome position (GRCh38, 1-based): chr3:52,370,785, G>C. VCF-style: chr3-52370785-G-C. GRCh37 (hg19) VCF-style: chr3-52404801-G-C.
Other names: c.6485G>C (NM_015512.4); short protein forms G2162A.
Identifiers: ClinVar variation 2197165 (VCV002197165.5), dbSNP rs201627468, ClinGen allele CA2434533.